The following is an entry in ClinVar:

ClinVar aggregate classification (germline): Uncertain significance (1 of 4 stars; one submission).

Submission:

GeneDx
Classification: Uncertain significance. Last evaluated: 2025-04-17. Review status: criteria provided, single submitter. Criteria: GeneDx Variant Classification Process June 2021. Collection method: clinical testing. Allele origin: germline. Affected: yes.
Comment: Not observed at significant frequency in large population cohorts (gnomAD); In silico analysis supports that this missense variant has a deleterious effect on protein structure/function; Has not been previously published as pathogenic or benign to our knowledge

NM_138576.4(BCL11B):c.25C>T (p.Pro9Ser)

Gene: BCL11B (BCL11 transcription factor B; minus strand). Cytogenetic location: 14q32.2.
Variant type: single nucleotide variant.
Coding change: c.25C>T on transcript NM_138576.4 (MANE Select); coding-DNA position 25, C replaced by T.
Protein change: p.Pro9Ser; replaces proline 9 with serine.
Molecular consequence: missense variant.
Genome position (GRCh38, 1-based): chr14:99,271,194, G>A on the plus strand (C>T on the coding strand, the complement: BCL11B is on the minus strand). VCF-style: chr14-99271194-G-A. GRCh37 (hg19) VCF-style: chr14-99737531-G-A.
Other names: c.25C>T, p.Pro9Ser (NM_001282237.2, NM_001282238.2, NM_022898.3); short protein forms P9S.
Identifiers: ClinVar variation 4282309 (VCV004282309.1).
Genomic context (GRCh38, chr14:99,271,194, plus strand): 5'-CCTCGCGCGCACTCCGCAGACACTTACGGGTGATGAGCTCCCTCTGGGACAAGTGCTGCG[G>A]GTTGCCCTGTTTGCGGCGGGACATTGCCCCGGCATCTATTCTGGCATCGCCCGGAGAGCT-3'
Protein context (NP_612808.1, residues 1-19): MSRRKQGN[Pro9Ser]QHLSQRELIT